The following is an entry in ClinVar:

ClinVar aggregate classification (germline): Pathogenic/Likely pathogenic. Review status: criteria provided, multiple submitters, no conflicts (2 of 4 stars). 2 submissions from 2 submitters: Pathogenic (1); Likely pathogenic (1). Last evaluated 2021-05-17.

Conditions:
Familial cancer of breast. Also called: hereditary breast carcinoma; BREAST CANCER, FAMILIAL; Hereditary breast cancer. Identifiers: Orphanet 227535, MedGen C0346153, MONDO:0016419, OMIM 114480. Disease mechanism: loss of function.
Hereditary cancer-predisposing syndrome. Also called: Neoplastic Syndromes, Hereditary; Hereditary Cancer Syndrome; Tumor predisposition; Hereditary neoplastic syndrome. Identifiers: Orphanet 140162, MedGen C0027672, MeSH D009386, MONDO:0015356.

Submissions (2):

Sema4
Classification: Likely pathogenic for Hereditary cancer-predisposing syndrome. Last evaluated: 2021-05-17. Review status: criteria provided, single submitter. Criteria: Sema4 Curation Guidelines. Collection method: curation. Allele origin: germline.
Comment: The PALB2 c.1138_1139delAG (p.L381*) variant has not been reported in the literature to our knowledge. This variant creates a premature stop codon at residue 381 of the PALB2 protein. At this location, this is predicted to result in absent protein (loss of function). This variant is not reported in the population database Genome Aggregation Database (PMID: 32461654). This variant has been reported in ClinVar (Variation ID: 575279). Based on the current evidence available, this variant is interpreted as likely pathogenic.

Labcorp Genetics (formerly Invitae), Labcorp
Classification: Pathogenic for Familial cancer of breast. Last evaluated: 2020-11-20. Review status: criteria provided, single submitter. Criteria: Invitae Variant Classification Sherloc (09022015). Collection method: clinical testing. Allele origin: germline.
Comment: For these reasons, this variant has been classified as Pathogenic. This variant has not been reported in the literature in individuals with PALB2-related conditions. ClinVar contains an entry for this variant (Variation ID: 575279). This variant is not present in population databases (ExAC no frequency). This sequence change creates a premature translational stop signal (p.Leu381*) in the PALB2 gene. It is expected to result in an absent or disrupted protein product. Loss-of-function variants in PALB2 are known to be pathogenic (PMID: 17200668, 24136930, 25099575).

Literature cited by the submitters: PubMed 17200668 (cited by Labcorp Genetics (formerly Invitae), Labcorp); PubMed 24136930 (cited by Labcorp Genetics (formerly Invitae), Labcorp); PubMed 25099575 (cited by Labcorp Genetics (formerly Invitae), Labcorp).

NM_024675.4(PALB2):c.1138_1139del (p.Ser380_Leu381insTer)

Gene: PALB2 (partner and localizer of BRCA2; minus strand). Cytogenetic location: 16p12.2.
Variant type: Microsatellite.
Coding change: c.1138_1139del on transcript NM_024675.4 (MANE Select); coding-DNA positions 1138 to 1139, 2 bases deleted (AG; older notation c.1138_1139delAG).
Protein change: p.Ser380_Leu381insTer.
Molecular consequence: frameshift variant.
Genome position (GRCh38, 1-based): chr16:23,635,407-23,635,408, CT deleted on the plus strand (AG on the coding strand, the reverse complement: PALB2 is on the minus strand); deleting any 2 consecutive bases within chr16:23,635,407-23,635,410 gives the same sequence; the c. name uses the placement nearest the transcript's 3' end. VCF-style (leftmost placement, unchanged base first): chr16-23635406-ACT-A. GRCh37 (hg19) VCF-style: chr16-23646727-ACT-A.
Other names: c.1138_1139delAG (NM_024675.3).
Identifiers: ClinVar variation 575279 (VCV000575279.8), dbSNP rs1567221521, ClinGen allele CA891844526.